The following is an entry in ClinVar:

ClinVar aggregate classification (germline): Pathogenic (1 of 4 stars; one submission).

Conditions:
Tumor predisposition syndrome 3 (TPDS3). Also called: Melanoma, cutaneous malignant, susceptibility to, 10; Glioma susceptibility 9; LONG TELOMERE SYNDROME, POT1-RELATED; POT1 Tumor Predisposition. Identifiers: Orphanet 618, MedGen C4014476, MONDO:0014368, OMIM 615848.

Submission:

Labcorp Genetics (formerly Invitae), Labcorp
Classification: Pathogenic for Tumor predisposition syndrome 3. Last evaluated: 2025-05-22. Review status: criteria provided, single submitter. Criteria: Invitae Variant Classification Sherloc (09022015). Collection method: clinical testing. Allele origin: germline.
Comment: This sequence change creates a premature translational stop signal (p.Glu344*) in the POT1 gene. It is expected to result in an absent or disrupted protein product. Loss-of-function variants in POT1 are known to be pathogenic (PMID: 32155570). This variant is not present in population databases (gnomAD no frequency). This premature translational stop signal has been observed in individual(s) with melanoma (PMID: 30451293). ClinVar contains an entry for this variant (Variation ID: 1045392). For these reasons, this variant has been classified as Pathogenic.

Literature cited by the submitters: PubMed 32155570; PubMed 30451293.

NM_015450.3(POT1):c.1030G>T (p.Glu344Ter)

Gene: POT1 (protection of telomeres 1; minus strand). Cytogenetic location: 7q31.33.
Variant type: single nucleotide variant.
Coding change: c.1030G>T on transcript NM_015450.3 (MANE Select); coding-DNA position 1030, G replaced by T.
Protein change: p.Glu344Ter; replaces glutamic acid 344 with a stop codon.
Molecular consequence: nonsense. On other transcripts: non-coding transcript variant (3).
Genome position (GRCh38, 1-based): chr7:124,842,940, C>A on the plus strand (G>T on the coding strand, the complement: POT1 is on the minus strand). VCF-style: chr7-124842940-C-A. GRCh37 (hg19) VCF-style: chr7-124482994-C-A.
Other names: c.637G>T, p.Glu213Ter (NM_001042594.2); short protein forms E213*, E344*.
Identifiers: ClinVar variation 1045392 (VCV001045392.8), dbSNP rs951589289, ClinGen allele CA369068582.